The following is an entry in ClinVar:

ClinVar aggregate classification (germline): Likely benign (0 of 4 stars; one submission).

Conditions:
INVS-related disorder. Also called: INVS-related condition.

gnomAD v4.1: 1 of 1,614,092 alleles (0.000062%); no homozygotes.

Submission:

PreventionGenetics, part of Exact Sciences
Classification: Likely benign for INVS-related condition. Last evaluated: 2021-03-10. Review status: no assertion criteria provided. Collection method: clinical testing. Allele origin: germline.
Comment: This variant is classified as likely benign based on ACMG/AMP sequence variant interpretation guidelines (Richards et al. 2015 PMID: 25741868, with internal and published modifications).

NM_014425.5(INVS):c.2832G>A (p.Gln944=)

Gene: INVS (inversin; plus strand). Cytogenetic location: 9q31.1.
Variant type: single nucleotide variant.
Coding change: c.2832G>A on transcript NM_014425.5 (MANE Select); coding-DNA position 2832, G replaced by A.
Protein change: p.Gln944=; no amino-acid change (glutamine 944 retained).
Molecular consequence: synonymous variant. On other transcripts: non-coding transcript variant (1).
Genome position (GRCh38, 1-based): chr9:100,296,962, G>A. VCF-style: chr9-100296962-G-A. GRCh37 (hg19) VCF-style: chr9-103059244-G-A.
Other names: c.2544G>A, p.Gln848= (NM_001318381.2); c.1854G>A, p.Gln618= (NM_001318382.2).
Identifiers: ClinVar variation 3031300 (VCV003031300.2), dbSNP rs2490134057, ClinGen allele CA466443962.